The following is an entry in ClinVar:

NM_130839.5(UBE3A):c.296G>A (p.Gly99Asp)

Genes: SNHG14 (small nucleolar RNA host gene 14; plus strand), UBE3A (ubiquitin protein ligase E3A; minus strand). Cytogenetic location: 15q11.2.
Variant type: single nucleotide variant.
Coding change: c.296G>A on transcript NM_130839.5 (MANE Select); coding-DNA position 296, G replaced by A.
Protein change: p.Gly99Asp; replaces glycine 99 with aspartic acid.
Molecular consequence: missense variant. On other transcripts: non-coding transcript variant (1).
Genome position (GRCh38, 1-based): chr15:25,375,530, C>T on the plus strand (G>A on the coding strand, the complement: UBE3A is on the minus strand). VCF-style: chr15-25375530-C-T. GRCh37 (hg19) VCF-style: chr15-25620677-C-T.
Other names: c.305G>A, p.Gly102Asp (NM_000462.5); c.296G>A, p.Gly99Asp (NM_001354505.1, NM_001354538.2, NM_001354545.2 and 1 more transcripts); c.236G>A, p.Gly79Asp (NM_001354506.2, NM_001354507.2, NM_001354508.2 and 18 more transcripts); c.119G>A, p.Gly40Asp (NM_001354546.2); c.236G>A (NM_130838.1); short protein forms G40D, G102D, G99D, G79D.
Identifiers: ClinVar variation 1432502 (VCV001432502.7), dbSNP rs943659663, ClinGen allele CA267787954.

ClinVar aggregate classification (germline): Conflicting classifications of pathogenicity. Review status: criteria provided, conflicting classifications (1 of 4 stars). 2 submissions from 2 submitters: Uncertain significance (1); Likely benign (1). Last evaluated 2025-12-19.

Conditions:
Inborn genetic diseases. Identifiers: MedGen C0950123, MeSH D030342.
Angelman syndrome (AS). Also called: HAPPY PUPPET SYNDROME. Identifiers: Orphanet 72, MedGen C0162635, MONDO:0007113, OMIM 105830. Disease mechanism: loss of function. Inheritance: AS is caused by disruption of maternally imprinted UBE3A located within the 15q11.2-q13 Angelman syndrome/Prader-Willi syndrome (AS/PWS) region., imprinting disorder.

Allele frequency attached by ClinVar (database versions not stated): gnomAD exomes below 0.00001 and 0.00001; TOPMed below 0.00001.
gnomAD v4.1: 4 of 1,614,162 alleles (0.00025%); highest among the groups gnomAD compares: Non-Finnish European, 0.00025%; no homozygotes.

Submissions (2):

Labcorp Genetics (formerly Invitae), Labcorp
Classification: Uncertain significance for Angelman syndrome. Last evaluated: 2025-12-19. Review status: criteria provided, single submitter. Criteria: Invitae Variant Classification Sherloc (09022015). Collection method: clinical testing. Allele origin: germline.
Comment: This sequence change replaces glycine, which is neutral and non-polar, with aspartic acid, which is acidic and polar, at codon 79 of the UBE3A protein (p.Gly79Asp). This variant is present in population databases (no rsID available, gnomAD 0.0009%). This variant has not been reported in the literature in individuals affected with UBE3A-related conditions. ClinVar contains an entry for this variant (Variation ID: 1432502). Invitae Evidence Modeling of protein sequence and biophysical properties (such as structural, functional, and spatial information, amino acid conservation, physicochemical variation, residue mobility, and thermodynamic stability) has been performed for this missense variant. However, the output from this modeling did not meet the statistical confidence thresholds required to predict the impact of this variant on UBE3A protein function. In summary, the available evidence is currently insufficient to determine the role of this variant in disease. Therefore, it has been classified as a Variant of Uncertain Significance.

Ambry Genetics
Classification: Likely benign for Inborn genetic diseases. Last evaluated: 2024-06-04. Review status: criteria provided, single submitter. Criteria: Ambry Variant Classification Scheme 2023. Collection method: clinical testing. Allele origin: germline.